The following is an entry in ClinVar:

NM_032578.4(MYPN):c.3758G>C (p.Gly1253Ala)

Gene: MYPN (myopalladin; plus strand). Cytogenetic location: 10q21.3.
Variant type: single nucleotide variant.
Coding change: c.3758G>C on transcript NM_032578.4 (MANE Select); coding-DNA position 3758, G replaced by C.
Protein change: p.Gly1253Ala; replaces glycine 1253 with alanine.
Molecular consequence: missense variant. On other transcripts: non-coding transcript variant (2).
Genome position (GRCh38, 1-based): chr10:68,206,868, G>C. VCF-style: chr10-68206868-G-C. GRCh37 (hg19) VCF-style: chr10-69966625-G-C.
Other names: c.3758G>C, p.Gly1253Ala (NM_001256267.2); c.2876G>C, p.Gly959Ala (NM_001256268.2); short protein forms G1253A, G959A.
Identifiers: ClinVar variation 1302201 (VCV001302201.2), dbSNP rs1589619360, ClinGen allele CA376828634.

ClinVar aggregate classification (germline): Uncertain significance (1 of 4 stars; one submission).

Submission:

GeneDx
Classification: Uncertain significance. Last evaluated: 2019-07-11. Review status: criteria provided, single submitter. Criteria: GeneDx Variant Classification Process June 2021. Collection method: clinical testing. Allele origin: germline. Affected: yes.
Comment: Has not been previously published as pathogenic or benign to our knowledge; Not observed in large population cohorts (Lek et al., 2016); In silico analysis, which includes protein predictors and evolutionary conservation, supports a deleterious effect